The following is an entry in ClinVar:

ClinVar aggregate classification (germline): Uncertain significance (1 of 4 stars; one submission).

Conditions:
Hereditary cancer-predisposing syndrome. Also called: Neoplastic Syndromes, Hereditary; Tumor predisposition; Hereditary Cancer Syndrome; Hereditary neoplastic syndrome. Identifiers: Orphanet 140162, MedGen C0027672, MeSH D009386, MONDO:0015356.

Allele frequency attached by ClinVar (database versions not stated): TOPMed below 0.00001.
gnomAD v4.1: 1 of 1,614,190 alleles (0.000062%); highest among the groups gnomAD compares: Non-Finnish European, 0.000085%; no homozygotes.

Submission:

Ambry Genetics
Classification: Uncertain significance for Hereditary cancer-predisposing syndrome. Last evaluated: 2020-03-18. Review status: criteria provided, single submitter. Criteria: Ambry Variant Classification Scheme 2023. Collection method: clinical testing. Allele origin: germline.
Comment: The p.H226R variant (also known as c.677A>G), located in coding exon 6 of the TSC1 gene, results from an A to G substitution at nucleotide position 677. The histidine at codon 226 is replaced by arginine, an amino acid with highly similar properties. This amino acid position is well conserved in available vertebrate species. In addition, the in silico prediction for this alteration is inconclusive. Since supporting evidence is limited at this time, the clinical significance of this alteration remains unclear.

NM_000368.5(TSC1):c.677A>G (p.His226Arg)

Gene: TSC1 (TSC complex subunit 1; minus strand). Cytogenetic location: 9q34.13.
Variant type: single nucleotide variant.
Coding change: c.677A>G on transcript NM_000368.5 (MANE Select); coding-DNA position 677, A replaced by G.
Protein change: p.His226Arg; replaces histidine 226 with arginine.
Molecular consequence: missense variant.
Genome position (GRCh38, 1-based): chr9:132,921,423, T>C on the plus strand (A>G on the coding strand, the complement: TSC1 is on the minus strand). VCF-style: chr9-132921423-T-C. GRCh37 (hg19) VCF-style: chr9-135796810-T-C.
Other names: c.677A>G, p.His226Arg (NM_001162426.2, NM_001406592.1, NM_001406593.1 and 16 more transcripts); c.524A>G, p.His175Arg (NM_001162427.2, NM_001406610.1, NM_001406611.1 and 2 more transcripts); c.314A>G, p.His105Arg (NM_001362177.2, NM_001406614.1, NM_001406615.1 and 10 more transcripts); c.-417A>G (NM_001406630.1); short protein forms H105R, H226R, H175R.
Identifiers: ClinVar variation 1755377 (VCV001755377.2), dbSNP rs1259094395, ClinGen allele CA375371475.